The following is an entry in ClinVar:

ClinVar aggregate classification (germline): Benign. Review status: criteria provided, multiple submitters, no conflicts (2 of 4 stars). 2 submissions from 2 submitters: Benign (2). Last evaluated 2018-06-18.

Allele frequency attached by ClinVar (database versions not stated): 1000 Genomes Project 30x 0.97002; gnomAD 0.97480 and 0.97331; TOPMed 0.97127; 1000 Genomes Project 0.96945; gnomAD exomes 0.99642.

Submissions (2):

GeneDx
Classification: Benign. Last evaluated: 2018-06-18. Review status: criteria provided, single submitter. Criteria: GeneDx Variant Classification (06012015). Collection method: clinical testing. Allele origin: germline. Affected: yes.
Comment: This variant is considered likely benign or benign based on one or more of the following criteria: it is a conservative change, it occurs at a poorly conserved position in the protein, it is predicted to be benign by multiple in silico algorithms, and/or has population frequency not consistent with disease.

Breakthrough Genomics
Classification: Benign. Review status: criteria provided, single submitter. Criteria: ACMG Guidelines, 2015. Collection method: not provided. Allele origin: germline. Inheritance: Autosomal recessive inheritance. Affected: yes.

NM_020631.4(PLEKHG5):c.-28627C>G

Genes: PLEKHG5 (pleckstrin homology and RhoGEF domain containing G5; minus strand), LOC121967059 (Sharpr-MPRA regulatory region 8211; plus strand). Cytogenetic location: 1p36.31.
Variant type: single nucleotide variant.
Coding change: c.-28627C>G on transcript NM_020631.4; 28627 bases upstream of the start codon, C replaced by G.
Genome position (GRCh38, 1-based): chr1:6,520,176, G>C on the plus strand (C>G on the coding strand, the complement: PLEKHG5 is on the minus strand). VCF-style: chr1-6520176-G-C. GRCh37 (hg19) VCF-style: chr1-6580236-G-C.
Identifiers: ClinVar variation 679849 (VCV000679849.4), dbSNP rs4908903, ClinGen allele CA15100026.